The following is an entry in ClinVar:

NM_004380.3(CREBBP):c.2113+3A>G

Gene: CREBBP (CREB binding lysine acetyltransferase; minus strand). Cytogenetic location: 16p13.3.
Variant type: single nucleotide variant.
Coding change: c.2113+3A>G on transcript NM_004380.3 (MANE Select); 3 bases into the intron after coding-DNA position 2113, A replaced by G.
Molecular consequence: intron variant.
Genome position (GRCh38, 1-based): chr16:3,778,008, T>C on the plus strand (A>G on the coding strand, the complement: CREBBP is on the minus strand). VCF-style: chr16-3778008-T-C. GRCh37 (hg19) VCF-style: chr16-3828009-T-C.
Other names: c.1999+3A>G (NM_001079846.1).
Identifiers: ClinVar variation 1786138 (VCV001786138.8), dbSNP rs367714273, ClinGen allele CA7870274.

ClinVar aggregate classification (germline): Conflicting classifications of pathogenicity. Review status: criteria provided, conflicting classifications (1 of 4 stars). 3 submissions from 3 submitters: Uncertain significance (2); Likely benign (1). Last evaluated 2025-03-04.

Conditions:
Rubinstein-Taybi syndrome (RSTS). Identifiers: Orphanet 783, MedGen C0035934, MONDO:0019188.
Inborn genetic diseases. Identifiers: MedGen C0950123, MeSH D030342.
CREBBP-related disorder. Also called: CREBBP-related condition; CREBBP-related disorders.

Allele frequency attached by ClinVar (database versions not stated): gnomAD exomes below 0.00001; TOPMed 0.00001; ExAC 0.00002; gnomAD 0.00002.
gnomAD v4.1: 10 of 1,614,170 alleles (0.00062%); highest among the groups gnomAD compares: East Asian, 0.0045%; no homozygotes.

Submissions (3):

PreventionGenetics, part of Exact Sciences
Classification: Likely benign for CREBBP-related condition. Last evaluated: 2025-03-04. Review status: criteria provided, single submitter. Criteria: ACMG Guidelines, 2015. Collection method: clinical testing. Allele origin: germline.
Comment: This variant is classified as likely benign based on ACMG/AMP sequence variant interpretation guidelines (Richards et al. 2015 PMID: 25741868, with internal and published modifications).

Labcorp Genetics (formerly Invitae), Labcorp
Classification: Uncertain significance for Rubinstein-Taybi syndrome. Last evaluated: 2025-01-23. Review status: criteria provided, single submitter. Criteria: Invitae Variant Classification Sherloc (09022015). Collection method: clinical testing. Allele origin: germline.
Comment: This sequence change falls in intron 10 of the CREBBP gene. It does not directly change the encoded amino acid sequence of the CREBBP protein. It affects a nucleotide within the consensus splice site. This variant is present in population databases (rs367714273, gnomAD 0.01%). This variant has not been reported in the literature in individuals affected with CREBBP-related conditions. ClinVar contains an entry for this variant (Variation ID: 1786138). Variants that disrupt the consensus splice site are a relatively common cause of aberrant splicing (PMID: 17576681, 9536098). Algorithms developed to predict the effect of sequence changes on RNA splicing suggest that this variant is not likely to affect RNA splicing. In summary, the available evidence is currently insufficient to determine the role of this variant in disease. Therefore, it has been classified as a Variant of Uncertain Significance.

Ambry Genetics
Classification: Uncertain significance for Inborn genetic diseases. Last evaluated: 2018-03-12. Review status: criteria provided, single submitter. Criteria: Ambry Variant Classification Scheme 2023. Collection method: clinical testing. Allele origin: germline.
Comment: The c.2113+3A>G intronic variant results from an A to G substitution 3 nucleotides after coding exon 10 in the CREBBP gene. This nucleotide position is well conserved in available vertebrate species. Using the BDGP and ESEfinder splice site prediction tools, this alteration is not predicted to have any significant effect on this splice donor site; however, direct evidence is unavailable. Since supporting evidence is limited at this time, the clinical significance of this alteration remains unclear.

Literature cited by the submitters: PubMed 17576681 (cited by Labcorp Genetics (formerly Invitae), Labcorp); PubMed 9536098 (cited by Labcorp Genetics (formerly Invitae), Labcorp).